The following is an entry in ClinVar:

NM_005901.6(SMAD2):c.195C>G (p.Ile65Met)

Gene: SMAD2 (SMAD family member 2; minus strand). Cytogenetic location: 18q21.1.
Variant type: single nucleotide variant.
Coding change: c.195C>G on transcript NM_005901.6 (MANE Select); coding-DNA position 195, C replaced by G.
Protein change: p.Ile65Met; replaces isoleucine 65 with methionine.
Molecular consequence: missense variant.
Genome position (GRCh38, 1-based): chr18:47,896,562, G>C on the plus strand (C>G on the coding strand, the complement: SMAD2 is on the minus strand). VCF-style: chr18-47896562-G-C. GRCh37 (hg19) VCF-style: chr18-45422933-G-C.
Other names: c.195C>G, p.Ile65Met (NM_001003652.4, NM_001135937.3); short protein forms I65M.
Identifiers: ClinVar variation 4744435 (VCV004744435.1).

ClinVar aggregate classification (germline): Uncertain significance (1 of 4 stars; one submission).

Submission:

Labcorp Genetics (formerly Invitae), Labcorp
Classification: Uncertain significance. Last evaluated: 2025-09-18. Review status: criteria provided, single submitter. Criteria: Invitae Variant Classification Sherloc (09022015). Collection method: clinical testing. Allele origin: germline.
Comment: This sequence change replaces isoleucine, which is neutral and non-polar, with methionine, which is neutral and non-polar, at codon 65 of the SMAD2 protein (p.Ile65Met). This variant is not present in population databases (gnomAD no frequency). This variant has not been reported in the literature in individuals affected with SMAD2-related conditions. Invitae Evidence Modeling of protein sequence and biophysical properties (such as structural, functional, and spatial information, amino acid conservation, physicochemical variation, residue mobility, and thermodynamic stability) indicates that this missense variant is expected to disrupt SMAD2 protein function with a positive predictive value of 80%. In summary, the available evidence is currently insufficient to determine the role of this variant in disease. Therefore, it has been classified as a Variant of Uncertain Significance.